The following is an entry in ClinVar:

ClinVar aggregate classification (germline): Uncertain significance (1 of 4 stars; one submission).

Submission:

GeneDx
Classification: Uncertain significance. Last evaluated: 2023-06-29. Review status: criteria provided, single submitter. Criteria: GeneDx Variant Classification Process June 2021. Collection method: clinical testing. Allele origin: germline. Affected: yes.
Comment: Not observed at significant frequency in large population cohorts (gnomAD); In silico analysis supports that this missense variant does not alter protein structure/function; Has not been previously published as pathogenic or benign to our knowledge

NM_016312.3(WBP11):c.445T>C (p.Ser149Pro)

Gene: WBP11 (WW domain binding protein 11; minus strand). Cytogenetic location: 12p12.3.
Variant type: single nucleotide variant.
Coding change: c.445T>C on transcript NM_016312.3 (MANE Select); coding-DNA position 445, T replaced by C.
Protein change: p.Ser149Pro; replaces serine 149 with proline.
Molecular consequence: missense variant.
Genome position (GRCh38, 1-based): chr12:14,795,047, A>G on the plus strand (T>C on the coding strand, the complement: WBP11 is on the minus strand). VCF-style: chr12-14795047-A-G. GRCh37 (hg19) VCF-style: chr12-14947981-A-G.
Other names: short protein forms S149P.
Identifiers: ClinVar variation 3360428 (VCV003360428.1).